The following is an entry in ClinVar:

NM_032802.4(SPPL2A):c.1147-57C>T

Gene: SPPL2A (signal peptide peptidase like 2A; minus strand). Cytogenetic location: 15q21.2.
Variant type: single nucleotide variant.
Coding change: c.1147-57C>T on transcript NM_032802.4 (MANE Select); 57 bases into the intron before coding-DNA position 1147, C replaced by T.
Molecular consequence: intron variant.
Genome position (GRCh38, 1-based): chr15:50,725,380, G>A on the plus strand (C>T on the coding strand, the complement: SPPL2A is on the minus strand). VCF-style: chr15-50725380-G-A. GRCh37 (hg19) VCF-style: chr15-51017577-G-A.
Identifiers: ClinVar variation 2688405 (VCV002688405.2), dbSNP rs12910371, ClinGen allele CA14183672.

ClinVar aggregate classification (germline): Benign (1 of 4 stars; one submission).

Allele frequency attached by ClinVar (database versions not stated): TOPMed 0.29245; gnomAD 0.30218; 1000 Genomes Project 30x 0.32152; 1000 Genomes Project 0.33127; gnomAD exomes 0.34931.
gnomAD v4.1: 304,179 of 891,374 alleles (34%); highest among the groups gnomAD compares: East Asian, 56%; 54,519 homozygotes.

Submission:

Unidad de Genómica Garrahan, Hospital de Pediatría Garrahan
Classification: Benign. Last evaluated: 2024-01-24. Review status: criteria provided, single submitter. Criteria: ACMG Guidelines, 2015. Collection method: clinical testing. Allele origin: germline. Affected: no. Observed: 49 variant alleles.
Comment: This variant is classified as Benign based on local population frequency. This variant was detected in 56% of patients studied by a panel of primary immunodeficiencies. Number of patients: 49. Only high quality variants are reported.